The following is an entry in ClinVar:

ClinVar aggregate classification (germline): Conflicting classifications of pathogenicity. Review status: criteria provided, conflicting classifications (1 of 4 stars). 3 submissions from 3 submitters: Likely pathogenic (2); Uncertain significance (1). Last evaluated 2026-04-08.

Conditions:
Early-infantile DEE. Also called: Early infantile epileptic encephalopathy; Early infantile epileptic encephalopathy with suppression bursts; Ohtahara syndrome. Identifiers: Orphanet 1934, MedGen C0393706, MONDO:0800491.
SCN8A-related disorder.

Submissions (3):

PreventionGenetics, part of Exact Sciences
Classification: Likely pathogenic for SCN8A-related condition. Last evaluated: 2026-04-08. Review status: criteria provided, single submitter. Criteria: ACMG Guidelines, 2015. Collection method: clinical testing. Allele origin: germline.
Comment: The SCN8A c.5555C>T variant is predicted to result in the amino acid substitution p.Thr1852Ile. This variant has been reported in a large cohort study of individuals with epilepsy and/or neurodevelopmental disorders (Table S4, Lindy et al. 2018. PubMed ID: 29655203) and it was also reported in an additional patient with developmental delay and generalized tonic-clonic seizures (Ranza et al. 2020. PubMed ID: 32040247). This variant has not been reported in a large population database (gnomAD), indicating it is rare. This variant is interpreted as likely pathogenic.

Labcorp Genetics (formerly Invitae), Labcorp
Classification: Uncertain significance for Early-infantile DEE. Last evaluated: 2019-05-15. Review status: criteria provided, single submitter. Criteria: Invitae Variant Classification Sherloc (09022015). Collection method: clinical testing. Allele origin: germline.
Comment: This sequence change replaces threonine with isoleucine at codon 1852 of the SCN8A protein (p.Thr1852Ile). The threonine residue is highly conserved and there is a moderate physicochemical difference between threonine and isoleucine. In summary, the available evidence is currently insufficient to determine the role of this variant in disease. Therefore, it has been classified as a Variant of Uncertain Significance. Algorithms developed to predict the effect of missense changes on protein structure and function are either unavailable or do not agree on the potential impact of this missense change (SIFT: "Deleterious"; PolyPhen-2: "Probably Damaging"; Align-GVGD: "Class C0"). This variant has not been reported in the literature in individuals with SCN8A-related disease. ClinVar contains an entry for this variant (Variation ID: 207130). This variant is not present in population databases (ExAC no frequency).

GeneDx
Classification: Likely pathogenic. Last evaluated: 2014-06-06. Review status: criteria provided, single submitter. Criteria: GeneDx Variant Classification (06012015). Collection method: clinical testing. Allele origin: germline. Affected: yes.
Comment: p.Thr1852Ile (ACC>ATC): c.5555 C>T in exon 27 of the SCN8A gene (NM_014191.3). The T1852I variant has not been published as a mutation, nor has it been reported as a benign polymorphism to our knowledge. It was not observed in approximately 6,400 individuals of European and African American ancestry in the NHLBI Exome Sequencing Project, indicating it is not a common benign variant in these populations. The T1852I variant is a non-conservative amino acid substitution, which is likely to impact secondary protein structure as these residues differ in polarity, charge, size and/or other properties. This substitution alters a highly conserved position in the C-terminal cytoplasmic domain in the SCN8A protein. In silico analysis predicts this variant is probably damaging to the protein structure/function. However, no nearby missense mutations have been reported in association with SCN8A-related disorders. This variant has been observed de novo without verified parentage. The variant is found in INFANT-EPI panel(s).

NM_001330260.2(SCN8A):c.5555C>T (p.Thr1852Ile)

Gene: SCN8A (sodium voltage-gated channel alpha subunit 8; plus strand). Cytogenetic location: 12q13.13.
Variant type: single nucleotide variant.
Coding change: c.5555C>T on transcript NM_001330260.2 (MANE Select); coding-DNA position 5555, C replaced by T.
Protein change: p.Thr1852Ile; replaces threonine 1852 with isoleucine.
Molecular consequence: missense variant.
Genome position (GRCh38, 1-based): chr12:51,807,041, C>T. VCF-style: chr12-51807041-C-T. GRCh37 (hg19) VCF-style: chr12-52200825-C-T.
Other names: p.T1852I:ACC>ATC; c.5432C>T, p.Thr1811Ile (NM_001177984.3, NM_001369788.1); c.5555C>T, p.Thr1852Ile (NM_014191.4); short protein forms T1852I, T1811I.
Identifiers: ClinVar variation 207130 (VCV000207130.15), dbSNP rs796053227, ClinGen allele CA318298.
Genomic context (GRCh38, chr12:51,807,041, plus strand): 5'-TGGATCTGCCAATGGTGAGCGGGGATCGCATCCACTGCTTGGACATCCTTTTTGCCTTCA[C>T]CAAGCGGGTCCTGGGAGATAGCGGGGAGTTGGACATCCTGCGGCAGCAGATGGAAGAGCG-3'
Protein context (NP_001317189.1, residues 1842-1862): IHCLDILFAF[Thr1852Ile]KRVLGDSGEL